The following is an entry in ClinVar:

ClinVar aggregate classification (germline): Uncertain significance. Review status: criteria provided, multiple submitters, no conflicts (2 of 4 stars). 2 submissions from 2 submitters: Uncertain significance (2). Last evaluated 2024-11-07.

Conditions:
Bethlem myopathy 1A. Also called: Bethlem Muscular Dystrophy; Bethlem myopathy 1; MYOPATHY, BENIGN CONGENITAL, WITH CONTRACTURES. Identifiers: Orphanet 610, MedGen CN029274, MONDO:0024530, OMIM 158810.

Allele frequency attached by ClinVar (database versions not stated): ExAC 0.00002; TOPMed 0.00002; gnomAD 0.00005.
gnomAD v4.1: 64 of 1,612,646 alleles (0.004%); highest among the groups gnomAD compares: Middle Eastern, 0.033%; no homozygotes.

Submissions (2):

Labcorp Genetics (formerly Invitae), Labcorp
Classification: Uncertain significance for Bethlem myopathy 1A. Last evaluated: 2024-11-07. Review status: criteria provided, single submitter. Criteria: Invitae Variant Classification Sherloc (09022015). Collection method: clinical testing. Allele origin: germline.
Comment: This sequence change replaces proline, which is neutral and non-polar, with leucine, which is neutral and non-polar, at codon 1224 of the COL6A3 protein (p.Pro1224Leu). This variant is present in population databases (rs754323567, gnomAD 0.009%). This variant has not been reported in the literature in individuals affected with COL6A3-related conditions. ClinVar contains an entry for this variant (Variation ID: 962587). Invitae Evidence Modeling of protein sequence and biophysical properties (such as structural, functional, and spatial information, amino acid conservation, physicochemical variation, residue mobility, and thermodynamic stability) indicates that this missense variant is not expected to disrupt COL6A3 protein function with a negative predictive value of 80%. In summary, the available evidence is currently insufficient to determine the role of this variant in disease. Therefore, it has been classified as a Variant of Uncertain Significance.

Revvity Omics, Revvity
Classification: Uncertain significance. Last evaluated: 2022-11-15. Review status: criteria provided, single submitter. Criteria: ACMG Guidelines, 2015. Collection method: clinical testing. Allele origin: germline.

NM_004369.4(COL6A3):c.3671C>T (p.Pro1224Leu)

Gene: COL6A3 (collagen type VI alpha 3 chain; minus strand). Cytogenetic location: 2q37.3.
Variant type: single nucleotide variant.
Coding change: c.3671C>T on transcript NM_004369.4 (MANE Select); coding-DNA position 3671, C replaced by T.
Protein change: p.Pro1224Leu; replaces proline 1224 with leucine.
Molecular consequence: missense variant.
Genome position (GRCh38, 1-based): chr2:237,374,420, G>A on the plus strand (C>T on the coding strand, the complement: COL6A3 is on the minus strand). VCF-style: chr2-237374420-G-A. GRCh37 (hg19) VCF-style: chr2-238283063-G-A.
Other names: c.2450C>T, p.Pro817Leu (NM_057164.5); c.3053C>T, p.Pro1018Leu (NM_057165.5, NM_057167.4); c.1850C>T, p.Pro617Leu (NM_057166.5); short protein forms P617L, P1018L, P1224L, P817L.
Identifiers: ClinVar variation 962587 (VCV000962587.12), dbSNP rs754323567, ClinGen allele CA2189120.